The following is an entry in ClinVar:

NM_001256012.3(MYH10):c.4617G>T (p.Gln1539His)

Gene: MYH10 (myosin heavy chain 10; minus strand). Cytogenetic location: 17p13.1.
Variant type: single nucleotide variant.
Coding change: c.4617G>T on transcript NM_001256012.3 (MANE Select); coding-DNA position 4617, G replaced by T.
Protein change: p.Gln1539His; replaces glutamine 1539 with histidine.
Molecular consequence: missense variant.
Genome position (GRCh38, 1-based): chr17:8,492,351, C>A on the plus strand (G>T on the coding strand, the complement: MYH10 is on the minus strand). VCF-style: chr17-8492351-C-A. GRCh37 (hg19) VCF-style: chr17-8395669-C-A.
Other names: c.4551G>T, p.Gln1517His (NM_001256095.2); c.4554G>T, p.Gln1518His (NM_001375266.1); c.4524G>T, p.Gln1508His (NM_005964.5); short protein forms Q1508H, Q1517H, Q1518H, Q1539H.
Identifiers: ClinVar variation 4995628 (VCV004995628.1).

ClinVar aggregate classification (germline): Uncertain significance (1 of 4 stars; one submission).

Conditions:
MYH10-related disorder. Also called: MYH10-related condition.

Submission:

PreventionGenetics, part of Exact Sciences
Classification: Uncertain significance for MYH10-related condition. Last evaluated: 2026-03-14. Review status: criteria provided, single submitter. Criteria: ACMG Guidelines, 2015. Collection method: clinical testing. Allele origin: germline.
Comment: The MYH10 c.4617G>T variant is predicted to result in the amino acid substitution p.Gln1539His. To our knowledge, this variant has not been reported in the literature or in a large population database (gnomAD), indicating this variant is rare. At this time, the clinical significance of this variant is uncertain due to the absence of conclusive functional and genetic evidence.